The following is an entry in ClinVar:

NM_000368.5(TSC1):c.618T>C (p.His206=)

Gene: TSC1 (TSC complex subunit 1; minus strand). Cytogenetic location: 9q34.13.
Variant type: single nucleotide variant.
Coding change: c.618T>C on transcript NM_000368.5 (MANE Select); coding-DNA position 618, T replaced by C.
Protein change: p.His206=; no amino-acid change (histidine 206 retained).
Molecular consequence: synonymous variant.
Genome position (GRCh38, 1-based): chr9:132,921,864, A>G on the plus strand (T>C on the coding strand, the complement: TSC1 is on the minus strand). VCF-style: chr9-132921864-A-G. GRCh37 (hg19) VCF-style: chr9-135797251-A-G.
Other names: p.H206H:CAT>CAC; c.618T>C, p.His206= (NM_001162426.2); c.465T>C, p.His155= (NM_001162427.2); c.255T>C, p.His85= (NM_001362177.2).
Identifiers: ClinVar variation 49072 (VCV000049072.32), dbSNP rs118203415, ClinGen allele CA007912.

ClinVar aggregate classification (germline): Benign/Likely benign. Review status: criteria provided, multiple submitters, no conflicts (2 of 4 stars). 13 submissions from 13 submitters: Benign (9); Likely benign (3). 1 of the submissions does not count toward it. Last evaluated 2026-02-03.

Conditions:
Hereditary cancer-predisposing syndrome. Also called: Tumor predisposition; Neoplastic Syndromes, Hereditary; Hereditary neoplastic syndrome; Hereditary Cancer Syndrome. Identifiers: Orphanet 140162, MedGen C0027672, MeSH D009386, MONDO:0015356.
Tuberous sclerosis syndrome (TSC). Also called: Tuberous Sclerosis Complex; Tuberous sclerosis. Identifiers: Orphanet 805, MedGen C0041341, MONDO:0001734.
Tuberous sclerosis 1 (TSC1). Identifiers: Orphanet 805, MedGen C1854465, MONDO:0008612, OMIM 191100.

Allele frequency attached by ClinVar (database versions not stated): TOPMed 0.00008; gnomAD 0.00012 and 0.00005; gnomAD exomes 0.00004 and 0.00020; ExAC 0.00026; 1000 Genomes Project 0.00140; 1000 Genomes Project 30x 0.00156.
gnomAD v4.1: 86 of 1,614,210 alleles (0.0053%); highest among the groups gnomAD compares: East Asian, 0.14%; no homozygotes.

Submissions (13):

Labcorp Genetics (formerly Invitae), Labcorp
Classification: Benign for Tuberous sclerosis 1. Last evaluated: 2026-02-03. Review status: criteria provided, single submitter. Criteria: Invitae Variant Classification Sherloc (09022015). Collection method: clinical testing. Allele origin: germline.

Myriad Genetics, Inc.
Classification: Benign for Tuberous sclerosis 1. Last evaluated: 2025-04-08. Review status: criteria provided, single submitter. Criteria: Myriad Autosomal Dominant, Autosomal Recessive and X-Linked Classification Criteria (2023). Collection method: clinical testing. Allele origin: unknown.
Comment: This variant is considered benign. This variant is a silent/synonymous amino acid change and it is not expected to impact splicing.

Blueprint Genetics
Classification: Likely benign. Last evaluated: 2024-05-23. Review status: criteria provided, single submitter. Criteria: ACMG Guidelines, 2015. Collection method: clinical testing. Allele origin: germline.

All of Us Research Program, National Institutes of Health
Classification: Benign for Tuberous sclerosis syndrome. Last evaluated: 2024-01-11. Review status: criteria provided, single submitter. Criteria: ACMG Guidelines, 2015. Collection method: clinical testing. Allele origin: germline. Inheritance: Autosomal dominant inheritance. Observed: 21 variant alleles, 21 heterozygotes.
Comment: This study involves interpretation of variants in research participants for the purpose of population health screening. Participant phenotype was not available at the time of variant classification. Additional details can be found in publication PMID: 35346344, PMCID: PMC8962531

KCCC/NGS Laboratory, Kuwait Cancer Control Center
Classification: Benign for Tuberous sclerosis 1. Last evaluated: 2023-07-07. Review status: criteria provided, single submitter. Criteria: ACMG Guidelines, 2015. Collection method: clinical testing. Allele origin: germline. Affected: yes.

Color Diagnostics, LLC DBA Color Health
Classification: Benign for Tuberous sclerosis syndrome. Last evaluated: 2022-05-20. Review status: criteria provided, single submitter. Criteria: ACMG Guidelines, 2015. Collection method: clinical testing. Allele origin: germline.

Genome-Nilou Lab
Classification: Benign for Tuberous sclerosis 1. Last evaluated: 2021-11-07. Review status: criteria provided, single submitter. Criteria: ACMG Guidelines, 2015. Collection method: clinical testing. Allele origin: germline. Affected: no.

Sema4
Classification: Benign for Hereditary cancer-predisposing syndrome. Last evaluated: 2021-02-18. Review status: criteria provided, single submitter. Criteria: Sema4 Curation Guidelines. Collection method: curation. Allele origin: germline.

Quest Diagnostics Nichols Institute San Juan Capistrano
Classification: Benign. Last evaluated: 2019-09-12. Review status: criteria provided, single submitter. Criteria: Quest Diagnostics criteria. Collection method: clinical testing. Allele origin: unknown.

Ambry Genetics
Classification: Likely benign for Hereditary cancer-predisposing syndrome. Last evaluated: 2016-07-27. Review status: criteria provided, single submitter. Criteria: Ambry Variant Classification Scheme 2023. Collection method: clinical testing. Allele origin: germline.

Eurofins Ntd Llc (ga)
Classification: Likely benign. Last evaluated: 2015-11-20. Review status: criteria provided, single submitter. Criteria: EGL Classification Definitions 2015. Collection method: clinical testing. Allele origin: germline. Observed: 1 variant allele, 1 heterozygote.

GeneDx
Classification: Benign. Last evaluated: 2013-05-16. Review status: criteria provided, single submitter. Criteria: GeneDx Variant Classification (06012015). Collection method: clinical testing. Allele origin: germline. Affected: yes.
Comment: This variant is considered likely benign or benign based on one or more of the following criteria: it is a conservative change, it occurs at a poorly conserved position in the protein, it is predicted to be benign by multiple in silico algorithms, and/or has population frequency not consistent with disease.

Tuberous sclerosis database (TSC1)
No classification provided. Condition: TSC. Review status: no classification provided. Criteria: Tuberous Sclerosis Database Assertion Criteria 2015. Collection method: curation. Allele origin: germline. Affected: yes. Not counted in ClinVar's aggregate classification.